The following is an entry in ClinVar:

NM_021956.5(GRIK2):c.1965A>C (p.Leu655Phe)

Gene: GRIK2 (glutamate ionotropic receptor kainate type subunit 2; plus strand). Cytogenetic location: 6q16.3.
Variant type: single nucleotide variant.
Coding change: c.1965A>C on transcript NM_021956.5 (MANE Select); coding-DNA position 1965, A replaced by C.
Protein change: p.Leu655Phe; replaces leucine 655 with phenylalanine.
Molecular consequence: missense variant.
Genome position (GRCh38, 1-based): chr6:101,928,512, A>C. VCF-style: chr6-101928512-A-C. GRCh37 (hg19) VCF-style: chr6-102376387-A-C.
Other names: c.1965A>C, p.Leu655Phe (NM_001166247.1, NM_175768.3); short protein forms L655F.
Identifiers: ClinVar variation 4999972 (VCV004999972.1).

ClinVar aggregate classification (germline): Uncertain significance (1 of 4 stars; one submission).

Conditions:
GRIK2-related disorder. Also called: GRIK2-related condition.

Submission:

PreventionGenetics, part of Exact Sciences
Classification: Uncertain significance for GRIK2-related condition. Last evaluated: 2024-10-09. Review status: criteria provided, single submitter. Criteria: ACMG Guidelines, 2015. Collection method: clinical testing. Allele origin: germline.
Comment: The GRIK2 c.1965A>C variant is predicted to result in the amino acid substitution p.Leu655Phe. To our knowledge, this variant has not been reported in the literature or in a large population database (gnomAD), indicating this variant is rare. At this time, the clinical significance of this variant is uncertain due to the absence of conclusive functional and genetic evidence.